The following is an entry in ClinVar:

ClinVar aggregate classification (germline): Uncertain significance (1 of 4 stars; one submission).

Conditions:
Kabuki syndrome. Also called: Kabuki make-up syndrome; NIIKAWA-KUROKI SYNDROME. Identifiers: Orphanet 2322, MedGen C0796004, MONDO:0016512.

gnomAD v4.1: 1 of 1,613,338 alleles (0.000062%); highest among the groups gnomAD compares: Non-Finnish European, 0.000085%; no homozygotes.

Submission:

Labcorp Genetics (formerly Invitae), Labcorp
Classification: Uncertain significance for Kabuki syndrome. Last evaluated: 2024-10-20. Review status: criteria provided, single submitter. Criteria: Invitae Variant Classification Sherloc (09022015). Collection method: clinical testing. Allele origin: germline.
Comment: This sequence change replaces glycine, which is neutral and non-polar, with aspartic acid, which is acidic and polar, at codon 962 of the KMT2D protein (p.Gly962Asp). This variant is not present in population databases (gnomAD no frequency). This variant has not been reported in the literature in individuals affected with KMT2D-related conditions. Invitae Evidence Modeling of protein sequence and biophysical properties (such as structural, functional, and spatial information, amino acid conservation, physicochemical variation, residue mobility, and thermodynamic stability) indicates that this missense variant is not expected to disrupt KMT2D protein function with a negative predictive value of 95%. In summary, the available evidence is currently insufficient to determine the role of this variant in disease. Therefore, it has been classified as a Variant of Uncertain Significance.

NM_003482.4(KMT2D):c.2885G>A (p.Gly962Asp)

Gene: KMT2D (lysine methyltransferase 2D; minus strand). Cytogenetic location: 12q13.12.
Variant type: single nucleotide variant.
Coding change: c.2885G>A on transcript NM_003482.4 (MANE Select); coding-DNA position 2885, G replaced by A.
Protein change: p.Gly962Asp; replaces glycine 962 with aspartic acid.
Molecular consequence: missense variant.
Genome position (GRCh38, 1-based): chr12:49,050,703, C>T on the plus strand (G>A on the coding strand, the complement: KMT2D is on the minus strand). VCF-style: chr12-49050703-C-T. GRCh37 (hg19) VCF-style: chr12-49444486-C-T.
Other names: short protein forms G962D.
Identifiers: ClinVar variation 3672751 (VCV003672751.2).